The following is an entry in ClinVar:

ClinVar aggregate classification (germline): Pathogenic (1 of 4 stars; one submission).

Conditions:
SHORT syndrome. Also called: LIPODYSTROPHY, PARTIAL, WITH RIEGER ANOMALY AND SHORT STATURE; PIK3R1-Related SHORT Syndrome; SHORT STATURE, HYPEREXTENSIBILITY, HERNIA, OCULAR DEPRESSION, RIEGER ANOMALY, AND TEETHING DELAY. Identifiers: Orphanet 3163, MedGen C0878684, MONDO:0010026, OMIM 269880.
Agammaglobulinemia 7, autosomal recessive (AGM7). Also called: AGAMMAGLOBULINEMIA, AUTOSOMAL RECESSIVE, DUE TO PIK3R1 DEFECT. Identifiers: MedGen C3554689, MONDO:0014083, OMIM 615214.
Immunodeficiency 36 with lymphoproliferation. Also called: Immunodeficiency 36; ACTIVATED PI3K-DELTA SYNDROME 2; Activated PI3K Delta Syndrome Type 2 (APDS2). Identifiers: Orphanet 397596, Orphanet 693681, MedGen C4014934, MONDO:0014453, OMIM 616005.

Submission:

Labcorp Genetics (formerly Invitae), Labcorp
Classification: Pathogenic for SHORT syndrome; Immunodeficiency 36 with lymphoproliferation; Agammaglobulinemia 7, autosomal recessive. Last evaluated: 2023-09-19. Review status: criteria provided, single submitter. Criteria: Invitae Variant Classification Sherloc (09022015). Collection method: clinical testing. Allele origin: germline.
Comment: This sequence change creates a premature translational stop signal (p.Glu439Ilefs*6) in the PIK3R1 gene. It is expected to result in an absent or disrupted protein product. Loss-of-function variants in PIK3R1 are known to be pathogenic (PMID: 22351933, 25133428). This variant is not present in population databases (gnomAD no frequency). This variant has not been reported in the literature in individuals affected with PIK3R1-related conditions. For these reasons, this variant has been classified as Pathogenic.

Literature cited by the submitters: PubMed 22351933; PubMed 25133428.

NM_181523.3(PIK3R1):c.1314_1317del (p.Glu439fs)

Gene: PIK3R1 (phosphoinositide-3-kinase regulatory subunit 1; plus strand). Cytogenetic location: 5q13.1.
Variant type: Deletion.
Coding change: c.1314_1317del on transcript NM_181523.3 (MANE Select); coding-DNA positions 1314 to 1317, 4 bases deleted (AGAA; older notation c.1314_1317delAGAA).
Protein change: p.Glu439fs; shifts the reading frame from glutamic acid 439.
Molecular consequence: frameshift variant.
Genome position (GRCh38, 1-based): chr5:68,293,723-68,293,726, AGAA deleted; deleting any 4 consecutive bases within chr5:68,293,721-68,293,726 gives the same sequence; the c. name uses the placement nearest the transcript's 3' end. VCF-style (leftmost placement, unchanged base first): chr5-68293720-CAAAG-C. GRCh37 (hg19) VCF-style: chr5-67589548-CAAAG-C.
Other names: c.225_228del, p.Glu76fs (NM_001242466.2); c.504_507del, p.Glu169fs (NM_181504.4); c.414_417del, p.Glu139fs (NM_181524.2); short protein forms E169fs, E439fs, E76fs, E139fs.
Identifiers: ClinVar variation 2952024 (VCV002952024.3), dbSNP rs2531001159, ClinGen allele CA2740091739.
Genomic context (GRCh38, chr5:68,293,720, plus strand): 5'-GTTATTTGATTAAATACCTTATCCATTGAATTTATTTTAATCTTTCTAGGATCAAGTTGT[CAAAG>C]AAGATAATATTGAAGCTGTAGGGAAAAAATTACATGAATATAACACTCAGTTTCAAGAAA-3'